The following is an entry in ClinVar:

ClinVar aggregate classification (germline): Uncertain significance (1 of 4 stars; one submission).

Submission:

Labcorp Genetics (formerly Invitae), Labcorp
Classification: Uncertain significance. Last evaluated: 2025-05-29. Review status: criteria provided, single submitter. Criteria: Invitae Variant Classification Sherloc (09022015). Collection method: clinical testing. Allele origin: germline.
Comment: This sequence change replaces phenylalanine, which is neutral and non-polar, with leucine, which is neutral and non-polar, at codon 1534 of the PRPF8 protein (p.Phe1534Leu). This variant is not present in population databases (gnomAD no frequency). This variant has not been reported in the literature in individuals affected with PRPF8-related conditions. ClinVar contains an entry for this variant (Variation ID: 2006831). Invitae Evidence Modeling of protein sequence and biophysical properties (such as structural, functional, and spatial information, amino acid conservation, physicochemical variation, residue mobility, and thermodynamic stability) indicates that this missense variant is expected to disrupt PRPF8 protein function with a positive predictive value of 80%. In summary, the available evidence is currently insufficient to determine the role of this variant in disease. Therefore, it has been classified as a Variant of Uncertain Significance.

NM_006445.4(PRPF8):c.4600T>C (p.Phe1534Leu)

Gene: PRPF8 (pre-mRNA processing factor 8; minus strand). Cytogenetic location: 17p13.3.
Variant type: single nucleotide variant.
Coding change: c.4600T>C on transcript NM_006445.4 (MANE Select); coding-DNA position 4600, T replaced by C.
Protein change: p.Phe1534Leu; replaces phenylalanine 1534 with leucine.
Molecular consequence: missense variant.
Genome position (GRCh38, 1-based): chr17:1,660,736, A>G on the plus strand (T>C on the coding strand, the complement: PRPF8 is on the minus strand). VCF-style: chr17-1660736-A-G. GRCh37 (hg19) VCF-style: chr17-1564030-A-G.
Other names: short protein forms F1534L.
Identifiers: ClinVar variation 2006831 (VCV002006831.4), dbSNP rs2543732656, ClinGen allele CA397575899.